The following is an entry in ClinVar:

NM_000263.4(NAGLU):c.1948G>A (p.Gly650Arg)

Gene: NAGLU (N-acetyl-alpha-glucosaminidase; plus strand). Cytogenetic location: 17q21.2.
Variant type: single nucleotide variant.
Coding change: c.1948G>A on transcript NM_000263.4 (MANE Select); coding-DNA position 1948, G replaced by A.
Protein change: p.Gly650Arg; replaces glycine 650 with arginine.
Molecular consequence: missense variant.
Genome position (GRCh38, 1-based): chr17:42,543,954, G>A. VCF-style: chr17-42543954-G-A. GRCh37 (hg19) VCF-style: chr17-40695972-G-A.
Other names: short protein forms G650R.
Identifiers: ClinVar variation 1350510 (VCV001350510.7), dbSNP rs1197265081, ClinGen allele CA399605591.

ClinVar aggregate classification (germline): Uncertain significance (1 of 4 stars; one submission).

Conditions:
Charcot-Marie-Tooth disease axonal type 2V. Also called: CHARCOT-MARIE-TOOTH NEUROPATHY, TYPE 2V; CHARCOT-MARIE-TOOTH DISEASE, AXONAL, AUTOSOMAL DOMINANT, TYPE 2V. Identifiers: Orphanet 447964, MedGen C5569050, MONDO:0014665, OMIM 616491.
Mucopolysaccharidosis, MPS-III-B (MPS3B). Also called: MPS IIIB (Sanfilippo Syndrome Type B); N-ACETYL-ALPHA-D-GLUCOSAMINIDASE DEFICIENCY; NAGLU DEFICIENCY; MUCOPOLYSACCHARIDOSIS, TYPE IIIB; Mucopolysaccharidosis type IIIB (Sanfilippo B); SANFILIPPO SYNDROME B. Identifiers: Orphanet 79270, MedGen C0086648, MONDO:0009656, OMIM 252920.

Allele frequency attached by ClinVar (database versions not stated): TOPMed below 0.00001; gnomAD exomes below 0.00001; gnomAD 0.00001.
gnomAD v4.1: 2 of 1,609,350 alleles (0.00012%); highest among the groups gnomAD compares: Non-Finnish European, 0.00017%; no homozygotes.

Submission:

Labcorp Genetics (formerly Invitae), Labcorp
Classification: Uncertain significance for Charcot-Marie-Tooth disease axonal type 2V; Mucopolysaccharidosis, MPS-III-B. Last evaluated: 2024-04-25. Review status: criteria provided, single submitter. Criteria: Invitae Variant Classification Sherloc (09022015). Collection method: clinical testing. Allele origin: germline.
Comment: This sequence change replaces glycine, which is neutral and non-polar, with arginine, which is basic and polar, at codon 650 of the NAGLU protein (p.Gly650Arg). The frequency data for this variant in the population databases is considered unreliable, as metrics indicate poor data quality at this position in the gnomAD database. This variant has not been reported in the literature in individuals affected with NAGLU-related conditions. ClinVar contains an entry for this variant (Variation ID: 1350510). Advanced modeling of protein sequence and biophysical properties (such as structural, functional, and spatial information, amino acid conservation, physicochemical variation, residue mobility, and thermodynamic stability) performed at Invitae indicates that this missense variant is expected to disrupt NAGLU protein function with a positive predictive value of 95%. This variant disrupts the p.Gly650 amino acid residue in NAGLU. Other variant(s) that disrupt this residue have been determined to be pathogenic (PMID: 10094189, 22976768, 23661660). This suggests that this residue is clinically significant, and that variants that disrupt this residue are likely to be disease-causing. In summary, the available evidence is currently insufficient to determine the role of this variant in disease. Therefore, it has been classified as a Variant of Uncertain Significance.

Literature cited by the submitters: PubMed 10094189; PubMed 22976768; PubMed 23661660.